The following is an entry in ClinVar:

NM_005609.4(PYGM):c.1220T>C (p.Ile407Thr)

Gene: PYGM (glycogen phosphorylase, muscle associated; minus strand). Cytogenetic location: 11q13.1.
Variant type: single nucleotide variant.
Coding change: c.1220T>C on transcript NM_005609.4 (MANE Select); coding-DNA position 1220, T replaced by C.
Protein change: p.Ile407Thr; replaces isoleucine 407 with threonine.
Molecular consequence: missense variant.
Genome position (GRCh38, 1-based): chr11:64,753,898, A>G on the plus strand (T>C on the coding strand, the complement: PYGM is on the minus strand). VCF-style: chr11-64753898-A-G. GRCh37 (hg19) VCF-style: chr11-64521370-A-G.
Other names: c.956T>C, p.Ile319Thr (NM_001164716.1); short protein forms I319T, I407T.
Identifiers: ClinVar variation 2155287 (VCV002155287.1), dbSNP rs752045365, ClinGen allele CA6079966.

ClinVar aggregate classification (germline): Uncertain significance (1 of 4 stars; one submission).

Conditions:
Glycogen storage disease, type V (GSD5). Also called: PYGM DEFICIENCY; MCARDLE DISEASE; MUSCLE GLYCOGEN PHOSPHORYLASE DEFICIENCY; MYOPHOSPHORYLASE DEFICIENCY; McArdle type glycogen storage disease. Identifiers: Orphanet 368, MedGen C0017924, MONDO:0009293, OMIM 232600.

Allele frequency attached by ClinVar (database versions not stated): gnomAD exomes 0.00002; ExAC 0.00010.
gnomAD v4.1: 25 of 1,582,172 alleles (0.0016%); highest among the groups gnomAD compares: Middle Eastern, 0.067%; no homozygotes.

Submission:

Labcorp Genetics (formerly Invitae), Labcorp
Classification: Uncertain significance for Glycogen storage disease, type V. Last evaluated: 2022-06-10. Review status: criteria provided, single submitter. Criteria: Invitae Variant Classification Sherloc (09022015). Collection method: clinical testing. Allele origin: germline.
Comment: This sequence change replaces isoleucine, which is neutral and non-polar, with threonine, which is neutral and polar, at codon 407 of the PYGM protein (p.Ile407Thr). This variant is present in population databases (rs752045365, gnomAD 0.02%). This variant has not been reported in the literature in individuals affected with PYGM-related conditions. Algorithms developed to predict the effect of missense changes on protein structure and function are either unavailable or do not agree on the potential impact of this missense change (SIFT: "Not Available"; PolyPhen-2: "Probably Damaging"; Align-GVGD: "Not Available"). In summary, the available evidence is currently insufficient to determine the role of this variant in disease. Therefore, it has been classified as a Variant of Uncertain Significance.